The following is an entry in ClinVar:

ClinVar aggregate classification (germline): Uncertain significance (1 of 4 stars; one submission).

Allele frequency attached by ClinVar (database versions not stated): TOPMed below 0.00001; ExAC 0.00001; gnomAD exomes 0.00001.
gnomAD v4.1: 8 of 1,553,600 alleles (0.00051%); highest among the groups gnomAD compares: East Asian, 0.0023%; no homozygotes.

Submission:

Labcorp Genetics (formerly Invitae), Labcorp
Classification: Uncertain significance. Last evaluated: 2023-08-19. Review status: criteria provided, single submitter. Criteria: Invitae Variant Classification Sherloc (09022015). Collection method: clinical testing. Allele origin: germline.
Comment: In summary, the available evidence is currently insufficient to determine the role of this variant in disease. Therefore, it has been classified as a Variant of Uncertain Significance. This premature translational stop signal has been observed in individual(s) with retinal disease (PMID: 27281386). This variant is present in population databases (rs782043619, gnomAD 0.007%). This sequence change creates a premature translational stop signal (p.Arg42*) in the GNB3 gene. It is expected to result in an absent or disrupted protein product. However, the current clinical and genetic evidence is not sufficient to establish whether loss-of-function variants in GNB3 cause disease.

Literature cited by the submitters: PubMed 27281386.

NM_002075.4(GNB3):c.124C>T (p.Arg42Ter)

Gene: GNB3 (G protein subunit beta 3; plus strand). Cytogenetic location: 12p13.31.
Variant type: single nucleotide variant.
Coding change: c.124C>T on transcript NM_002075.4 (MANE Select); coding-DNA position 124, C replaced by T.
Protein change: p.Arg42Ter; replaces arginine 42 with a stop codon.
Molecular consequence: nonsense.
Genome position (GRCh38, 1-based): chr12:6,842,997, C>T. VCF-style: chr12-6842997-C-T. GRCh37 (hg19) VCF-style: chr12-6952161-C-T.
Other names: c.124C>T, p.Arg42Ter (NM_001297571.2); short protein forms R42*.
Identifiers: ClinVar variation 2735801 (VCV002735801.3), dbSNP rs782043619, ClinGen allele CA6417419.
Genomic context (GRCh38, chr12:6,842,997, plus strand): 5'-TCACCCTGATATTCAGTGCCCCTCTCTCTGCAGCTGGTGTCTGGCCTAGAGGTGGTGGGA[C>T]GAGTCCAGATGCGGACGCGGCGGACGTTAAGGGGACACCTGGCCAAGATTTACGCCATGC-3'